The following is an entry in ClinVar:

ClinVar aggregate classification (germline): Uncertain significance (1 of 4 stars; one submission).

Conditions:
Hereditary cancer-predisposing syndrome. Also called: Neoplastic Syndromes, Hereditary; Tumor predisposition; Hereditary Cancer Syndrome; Hereditary neoplastic syndrome. Identifiers: Orphanet 140162, MedGen C0027672, MeSH D009386, MONDO:0015356.

Submission:

Ambry Genetics
Classification: Uncertain significance for Hereditary cancer-predisposing syndrome. Last evaluated: 2021-11-01. Review status: criteria provided, single submitter. Criteria: Ambry Variant Classification Scheme 2023. Collection method: clinical testing. Allele origin: germline.
Comment: The p.L551H variant (also known as c.1652T>A), located in coding exon 14 of the FANCC gene, results from a T to A substitution at nucleotide position 1652. The leucine at codon 551 is replaced by histidine, an amino acid with similar properties. This amino acid position is conserved. In addition, this alteration is predicted to be tolerated by in silico analysis. Since supporting evidence is limited at this time, the clinical significance of this alteration remains unclear.

NM_000136.3(FANCC):c.1652T>A (p.Leu551His)

Genes: FANCC (FA complementation group C; minus strand), AOPEP (aminopeptidase O (putative); plus strand). Cytogenetic location: 9q22.32.
Variant type: single nucleotide variant.
Coding change: c.1652T>A on transcript NM_000136.3 (MANE Select); coding-DNA position 1652, T replaced by A.
Protein change: p.Leu551His; replaces leucine 551 with histidine.
Molecular consequence: missense variant.
Genome position (GRCh38, 1-based): chr9:95,101,732, A>T on the plus strand (T>A on the coding strand, the complement: FANCC is on the minus strand). VCF-style: chr9-95101732-A-T. GRCh37 (hg19) VCF-style: chr9-97864014-A-T.
Other names: c.1652T>A, p.Leu551His (NM_001243743.2); short protein forms L551H.
Identifiers: ClinVar variation 1777282 (VCV001777282.2), dbSNP rs2540749300, ClinGen allele CA374104266.